The following is an entry in ClinVar:

ClinVar aggregate classification (germline): Likely benign (1 of 4 stars; one submission).

Allele frequency attached by ClinVar (database versions not stated): 1000 Genomes Project 0.00080; ExAC 0.00112; 1000 Genomes Project 30x 0.00156.
gnomAD v4.1: 796 of 1,470,210 alleles (0.054%); highest among the groups gnomAD compares: Admixed American, 1.5%; 13 homozygotes.

Submission:

GeneDx
Classification: Likely benign. Last evaluated: 2019-07-17. Review status: criteria provided, single submitter. Criteria: GeneDx Variant Classification Process June 2021. Collection method: clinical testing. Allele origin: germline. Affected: yes.
Comment: See Variant Classification Assertion Criteria.

NM_001625.4(AK2):c.-49T>G

Gene: AK2 (adenylate kinase 2; minus strand). Cytogenetic location: 1p35.1.
Variant type: single nucleotide variant.
Coding change: c.-49T>G on transcript NM_001625.4 (MANE Select); 49 bases upstream of the start codon, T replaced by G.
Molecular consequence: 5 prime UTR variant. On other transcripts: non-coding transcript variant (1).
Genome position (GRCh38, 1-based): chr1:33,036,877, A>C on the plus strand (T>G on the coding strand, the complement: AK2 is on the minus strand). VCF-style: chr1-33036877-A-C. GRCh37 (hg19) VCF-style: chr1-33502478-A-C.
Other names: c.-49T>G (NM_001199199.3, NM_001319141.3, NM_001319142.3 and 2 more transcripts); c.-311T>G (NM_001319139.3, NM_001319140.2).
Identifiers: ClinVar variation 1706711 (VCV001706711.2), dbSNP rs573627501, ClinGen allele CA747306.